The following is an entry in ClinVar:

Single allele

Genes: POMGNT1 (protein O-linked mannose N-acetylglucosaminyltransferase 1 (beta 1,2-); minus strand), TSPAN1 (tetraspanin 1; plus strand). Cytogenetic location: 1p34.1.
Variant type: Deletion.
Identifiers: ClinVar variation 4056486 (VCV004056486.1).

ClinVar aggregate classification (germline): Pathogenic (1 of 4 stars; one submission).

Conditions:
Muscular dystrophy-dystroglycanopathy. Also called: Congenital muscular dystrophy due to dystroglycanopathy. Identifiers: Orphanet 370953, MedGen C5679911, MONDO:0018276.

Submission:

Broad Center for Mendelian Genomics, Broad Institute of MIT and Harvard
Classification: Pathogenic for Muscular dystrophy-dystroglycanopathy. Last evaluated: 2025-06-06. Review status: criteria provided, single submitter. Criteria: ACMG/ClinGen CNV Guidelines, 2019. Collection method: curation. Allele origin: unknown. Inheritance: Autosomal recessive inheritance.
Comment: The exon 18-19 deletion in POMGNT1 was identified in at least 3 individuals with POMGNT1-associated muscular dystrophy (PMID: 28765568, 25987458, 31066047), and has been identified in 0.003% (1/33816) of African/African American chromosomes by the Genome Aggregation Database (gnomAD). Although this variant has been seen in the general population in a heterozygous state, its frequency is low enough to be consistent with a recessive carrier frequency. This variant has also been reported in ClinVar (VCV000644271.7) and has been interpreted as pathogenic by Invitae. Of these three affected individuals, one was a homozygote, one was a compound heterozygote that carried a reported pathogenic variant in trans, and one was a compound heterozygote that carried a variant of uncertain significance in trans, which increases the likelihood that the exon 18-19 deletion is pathogenic (VCV002677979.3, VCV000558572.2; PMID: 28765568, 25987458, 31066047). This intragenic variant is predicted to cause a frameshift, which alters the protein’s amino acid sequence and leads to a premature termination codon. This alteration is then predicted to lead to a truncated or absent protein. Loss of function of POMGNT1 is an established disease mechanism in POMGNT1-associated muscular dystrophy. In summary, this variant meets criteria to be classified as pathogenic for autosomal recessive POMGNT1-associated muscular dystrophy-. The ACMG/ClinGen evidence codes and points used in this curation are as follows: 1A: 0 points, 2E: 0.90 points, 3A: 0 points, 4E: 0.53 points; Total: 1.43 points; Riggs 2020 (PMID: 31690835).

Literature cited by the submitters: PubMed 28765568; PubMed 25987458; PubMed 31066047.